The following is an entry in ClinVar:

ClinVar aggregate classification (germline): Uncertain significance (1 of 4 stars; one submission).

Conditions:
Congenital muscular hypertrophy-cerebral syndrome (CDLS2). Also called: SMC1A-Related Cornelia de Lange Syndrome; Cornelia de Lange syndrome 2. Identifiers: Orphanet 199, MedGen C1802395, MONDO:0010370, OMIM 300590.

Submission:

Labcorp Genetics (formerly Invitae), Labcorp
Classification: Uncertain significance for Congenital muscular hypertrophy-cerebral syndrome. Last evaluated: 2019-09-27. Review status: criteria provided, single submitter. Criteria: Invitae Variant Classification Sherloc (09022015). Collection method: clinical testing. Allele origin: germline.
Comment: In summary, the available evidence is currently insufficient to determine the role of this variant in disease. Therefore, it has been classified as a Variant of Uncertain Significance. Algorithms developed to predict the effect of sequence changes on RNA splicing suggest that this variant may create or strengthen a splice site, but this prediction has not been confirmed by published transcriptional studies. This variant has not been reported in the literature in individuals with SMC1A-related conditions. This variant is not present in population databases (ExAC no frequency). This variant, c.2732_2734del, results in the deletion of 1 amino acid(s) of the SMC1A protein (p.Glu911del), but otherwise preserves the integrity of the reading frame.

NM_006306.4(SMC1A):c.2729AGG[1] (p.Glu911del)

Gene: SMC1A (structural maintenance of chromosomes 1A; minus strand). Cytogenetic location: Xp11.22.
Variant type: Microsatellite.
Coding change: c.2729AGG[1] on transcript NM_006306.4 (MANE Select); one copy of the 3-base unit AGG starting at c.2729; the reference has two copies in a row; one copy, 3 bases deleted.
Protein change: p.Glu911del; deletes glutamic acid 911.
Molecular consequence: inframe deletion.
Genome position (GRCh38, 1-based): chrX:53,396,355-53,396,357, CCT deleted on the plus strand (AGG on the coding strand, the reverse complement: SMC1A is on the minus strand); deleting any 3 consecutive bases within chrX:53,396,355-53,396,360 gives the same sequence; the position shown is the placement nearest the transcript's 3' end. VCF-style (leftmost placement, unchanged base first): chrX-53396354-ACCT-A. GRCh37 (hg19) VCF-style: chrX-53423274-ACCT-A.
Other names: c.2663AGG[1], p.Glu889del (NM_001281463.1); short protein forms E889del, E911del.
Identifiers: ClinVar variation 948145 (VCV000948145.8), dbSNP rs2075651266, ClinGen allele CA2429822263.
Genomic context (GRCh38, chrX:53,396,354, plus strand): 5'-GCCTGTAGCAAGTTGTGACGGTCACTGCGCTTCTGTTCAAGCTTGGTCTCAATGGCTGTC[ACCT>A]CCTTCTGTAAATGGGTCATTTCCCTAAAAAAGGTCCAGGGGCTAGGTGAGACCCAAATCT-3'